The following is an entry in ClinVar:

ClinVar aggregate classification (germline): Uncertain significance (1 of 4 stars; one submission).

Conditions:
Brown-Vialetto-van Laere syndrome 1. Also called: BROWN-VIALETTO-VAN LAERE SYNDROME 1, MILD; BULBAR PALSY, PROGRESSIVE, WITH SENSORINEURAL DEAFNESS; PONTOBULBAR PALSY WITH DEAFNESS. Identifiers: Orphanet 572550, Orphanet 97229, MedGen C0796274, MONDO:0024537, OMIM 211530.

Allele frequency attached by ClinVar (database versions not stated): gnomAD exomes below 0.00001.
gnomAD v4.1: 1 of 1,614,152 alleles (0.000062%); highest among the groups gnomAD compares: Non-Finnish European, 0.000085%; no homozygotes.

Submission:

Labcorp Genetics (formerly Invitae), Labcorp
Classification: Uncertain significance for Brown-Vialetto-van Laere syndrome 1. Last evaluated: 2021-12-31. Review status: criteria provided, single submitter. Criteria: Invitae Variant Classification Sherloc (09022015). Collection method: clinical testing. Allele origin: germline.
Comment: This sequence change replaces glycine, which is neutral and non-polar, with valine, which is neutral and non-polar, at codon 375 of the SLC52A3 protein (p.Gly375Val). This variant is not present in population databases (gnomAD no frequency). This variant has not been reported in the literature in individuals affected with SLC52A3-related conditions. Algorithms developed to predict the effect of missense changes on protein structure and function are either unavailable or do not agree on the potential impact of this missense change (SIFT: "Deleterious"; PolyPhen-2: "Benign"; Align-GVGD: "Class C0"). In summary, the available evidence is currently insufficient to determine the role of this variant in disease. Therefore, it has been classified as a Variant of Uncertain Significance.

NM_033409.4(SLC52A3):c.1124G>T (p.Gly375Val)

Gene: SLC52A3 (solute carrier family 52 member 3; minus strand). Cytogenetic location: 20p13.
Variant type: single nucleotide variant.
Coding change: c.1124G>T on transcript NM_033409.4 (MANE Select); coding-DNA position 1124, G replaced by T.
Protein change: p.Gly375Val; replaces glycine 375 with valine.
Molecular consequence: missense variant.
Genome position (GRCh38, 1-based): chr20:761,774, C>A on the plus strand (G>T on the coding strand, the complement: SLC52A3 is on the minus strand). VCF-style: chr20-761774-C-A. GRCh37 (hg19) VCF-style: chr20-742418-C-A.
Other names: c.1124G>T, p.Gly375Val (NM_001370085.1, NM_001370086.1); short protein forms G375V.
Identifiers: ClinVar variation 2067816 (VCV002067816.4), dbSNP rs1219868273, ClinGen allele CA407962398.